The following is an entry in ClinVar:

NM_033380.3(COL4A5):c.2216C>A (p.Pro739His)

Gene: COL4A5 (collagen type IV alpha 5 chain; plus strand). Cytogenetic location: Xq22.3.
Variant type: single nucleotide variant.
Coding change: c.2216C>A on transcript NM_033380.3 (MANE Select); coding-DNA position 2216, C replaced by A.
Protein change: p.Pro739His; replaces proline 739 with histidine.
Molecular consequence: missense variant.
Genome position (GRCh38, 1-based): chrX:108,603,033, C>A. VCF-style: chrX-108603033-C-A. GRCh37 (hg19) VCF-style: chrX-107846263-C-A.
Other names: c.2216C>A, p.Pro739His (NM_000495.5); short protein forms P739H.
Identifiers: ClinVar variation 767595 (VCV000767595.19), dbSNP rs201123438, ClinGen allele CA10488869.

ClinVar aggregate classification (germline): Conflicting classifications of pathogenicity. Review status: criteria provided, conflicting classifications (1 of 4 stars). 5 submissions from 5 submitters: Uncertain significance (1); Benign (1); Likely benign (2). 1 of the submissions does not count toward it. Last evaluated 2025-12-29.

Conditions:
COL4A5-related disorder. Also called: COL4A5-related condition.

Allele frequency attached by ClinVar (database versions not stated): gnomAD exomes 0.00007 and 0.00013; ExAC 0.00010; gnomAD 0.00037; 1000 Genomes Project 30x 0.00062; 1000 Genomes Project 0.00079; TOPMed 0.00087.
gnomAD v4.1: 139 of 1,184,526 alleles (0.012%); highest among the groups gnomAD compares: Admixed American, 0.14%; no homozygotes.

Submissions (5):

Labcorp Genetics (formerly Invitae), Labcorp
Classification: Benign. Last evaluated: 2025-12-29. Review status: criteria provided, single submitter. Criteria: Invitae Variant Classification Sherloc (09022015). Collection method: clinical testing. Allele origin: germline.

Blueprint Genetics
Classification: Likely benign. Last evaluated: 2024-10-18. Review status: criteria provided, single submitter. Criteria: ACMG Guidelines, 2015. Collection method: clinical testing. Allele origin: germline.

GeneDx
Classification: Likely benign. Last evaluated: 2020-11-04. Review status: criteria provided, single submitter. Criteria: GeneDx Variant Classification Process June 2021. Collection method: clinical testing. Allele origin: germline. Affected: yes.

Athena Diagnostics
Classification: Uncertain significance. Last evaluated: 2019-05-22. Review status: criteria provided, single submitter. Criteria: Athena Diagnostics Criteria. Collection method: clinical testing. Allele origin: germline.

PreventionGenetics, part of Exact Sciences
Classification: Likely benign for COL4A5-related condition. Last evaluated: 2022-12-19. Review status: no assertion criteria provided. Collection method: clinical testing. Allele origin: germline. Not counted in ClinVar's aggregate classification.
Comment: This variant is classified as likely benign based on ACMG/AMP sequence variant interpretation guidelines (Richards et al. 2015 PMID: 25741868, with internal and published modifications).

Literature cited by the submitters: PubMed 25644381 (cited by Athena Diagnostics).